The following is an entry in ClinVar:

ClinVar aggregate classification (germline): Benign (1 of 4 stars; one submission).

Conditions:
Tuberous sclerosis 2 (TSC2). Identifiers: Orphanet 805, MedGen C1860707, MONDO:0013199, OMIM 613254.

gnomAD v4.1: 12 of 1,601,722 alleles (0.00075%); highest among the groups gnomAD compares: Non-Finnish European, 0.00093%; no homozygotes.

Submission:

Myriad Genetics, Inc.
Classification: Benign for Tuberous sclerosis 2. Last evaluated: 2025-06-09. Review status: criteria provided, single submitter. Criteria: Myriad Autosomal Dominant, Autosomal Recessive and X-Linked Classification Criteria (2023). Collection method: clinical testing. Allele origin: unknown.
Comment: This variant is considered benign. This variant occurs in the non-coding 3' untranslated region of the gene, and is not expected to impact protein function.

NM_000548.5(TSC2):c.*1G>A

Gene: TSC2 (TSC complex subunit 2; plus strand). Cytogenetic location: 16p13.3.
Variant type: single nucleotide variant.
Coding change: c.*1G>A on transcript NM_000548.5 (MANE Select); 1 bases downstream of the stop codon, G replaced by A.
Molecular consequence: 3 prime UTR variant. On other transcripts: non-coding transcript variant (5).
Genome position (GRCh38, 1-based): chr16:2,088,611, G>A. VCF-style: chr16-2088611-G-A. GRCh37 (hg19) VCF-style: chr16-2138612-G-A.
Other names: c.*1G>A (NM_001406681.1, NM_001406682.1, NM_001406683.1 and 39 more transcripts).
Identifiers: ClinVar variation 4071065 (VCV004071065.1).